The following is an entry in ClinVar:

ClinVar aggregate classification (germline): Uncertain significance (1 of 4 stars; one submission).

Submission:

Women's Health and Genetics/Laboratory Corporation of America, LabCorp
Classification: Uncertain significance. Last evaluated: 2024-06-07. Review status: criteria provided, single submitter. Criteria: LabCorp Variant Classification Summary - May 2015. Collection method: clinical testing. Allele origin: germline.
Comment: Variant summary: VPS16 c.583G>A (p.Val195Met) results in a conservative amino acid change located in the Vps16, N-terminal domain (IPR006926) of the encoded protein sequence. Four of five in-silico tools predict a benign effect of the variant on protein function. The variant was absent in 251416 control chromosomes. The available data on variant occurrences in the general population are insufficient to allow any conclusion about variant significance. To our knowledge, no occurrence of c.583G>A in individuals affected with Dystonia 30 and no experimental evidence demonstrating its impact on protein function have been reported. No submitters have cited clinical-significance assessments for this variant to ClinVar. Based on the evidence outlined above, the variant was classified as uncertain significance.

NM_022575.4(VPS16):c.583G>A (p.Val195Met)

Gene: VPS16 (VPS16 core subunit of CORVET and HOPS complexes; plus strand). Cytogenetic location: 20p13.
Variant type: single nucleotide variant.
Coding change: c.583G>A on transcript NM_022575.4 (MANE Select); coding-DNA position 583, G replaced by A.
Protein change: p.Val195Met; replaces valine 195 with methionine.
Molecular consequence: missense variant.
Genome position (GRCh38, 1-based): chr20:2,860,816, G>A. VCF-style: chr20-2860816-G-A. GRCh37 (hg19) VCF-style: chr20-2841462-G-A.
Other names: c.583G>A, p.Val195Met (NM_080413.3); short protein forms V195M.
Identifiers: ClinVar variation 3339683 (VCV003339683.1).